The following is an entry in ClinVar:

NM_003809.3(TNFSF12):c.23G>A (p.Arg8Lys)

Genes: TNFSF12-TNFSF13 (TNFSF12-TNFSF13 readthrough; plus strand), TNFSF12 (TNF superfamily member 12; plus strand), LOC130060153 (ATAC-STARR-seq lymphoblastoid silent region 8127; plus strand). Cytogenetic location: 17p13.1.
Variant type: single nucleotide variant.
Coding change: c.23G>A on transcript NM_003809.3 (MANE Select); coding-DNA position 23, G replaced by A.
Protein change: p.Arg8Lys; replaces arginine 8 with lysine.
Molecular consequence: missense variant. On other transcripts: non-coding transcript variant (1).
Genome position (GRCh38, 1-based): chr17:7,549,176, G>A. VCF-style: chr17-7549176-G-A. GRCh37 (hg19) VCF-style: chr17-7452493-G-A.
Other names: c.23G>A, p.Arg8Lys (NM_172089.4); short protein forms R8K.
Identifiers: ClinVar variation 861833 (VCV000861833.4), dbSNP rs958789070, ClinGen allele CA287462142.

ClinVar aggregate classification (germline): Uncertain significance (1 of 4 stars; one submission).

Conditions:
Common variable immunodeficiency (CVID). Also called: Common variable agammaglobulinemia; Common variable hypogamma-globulinemia. Identifiers: Orphanet 1572, MedGen C0009447, MONDO:0015517.

Allele frequency attached by ClinVar (database versions not stated): gnomAD exomes below 0.00001; gnomAD 0.00001; TOPMed 0.00001.

Submission:

Labcorp Genetics (formerly Invitae), Labcorp
Classification: Uncertain significance for Common variable immunodeficiency. Last evaluated: 2021-08-28. Review status: criteria provided, single submitter. Criteria: Invitae Variant Classification Sherloc (09022015). Collection method: clinical testing. Allele origin: germline.
Comment: This sequence change replaces arginine with lysine at codon 8 of the TNFSF12 protein (p.Arg8Lys). The arginine residue is highly conserved and there is a small physicochemical difference between arginine and lysine. The frequency data for this variant in the population databases is considered unreliable, as metrics indicate insufficient coverage at this position in the ExAC database. This variant has not been reported in the literature in individuals affected with TNFSF12-related conditions. Algorithms developed to predict the effect of missense changes on protein structure and function are either unavailable or do not agree on the potential impact of this missense change (SIFT: "Tolerated"; PolyPhen-2: "Not Available"; Align-GVGD: "Class C0"). In summary, the available evidence is currently insufficient to determine the role of this variant in disease. Therefore, it has been classified as a Variant of Uncertain Significance.